The following is an entry in ClinVar:

ClinVar aggregate classification (germline): Uncertain significance (1 of 4 stars; one submission).

Allele frequency attached by ClinVar (database versions not stated): gnomAD 0.00001 and 0.00002; ExAC 0.00002; gnomAD exomes 0.00002; TOPMed 0.00002; 1000 Genomes Project 30x 0.00016.

Submission:

Labcorp Genetics (formerly Invitae), Labcorp
Classification: Uncertain significance. Last evaluated: 2021-03-30. Review status: criteria provided, single submitter. Criteria: Invitae Variant Classification Sherloc (09022015). Collection method: clinical testing. Allele origin: germline.
Comment: This variant is present in population databases (rs147966171, ExAC 0.006%). In summary, the available evidence is currently insufficient to determine the role of this variant in disease. Therefore, it has been classified as a Variant of Uncertain Significance. Algorithms developed to predict the effect of missense changes on protein structure and function are either unavailable or do not agree on the potential impact of this missense change (SIFT: "Deleterious"; PolyPhen-2: "Possibly Damaging"; Align-GVGD: "Class C0"). This variant has not been reported in the literature in individuals with DMBT1-related conditions. This sequence change replaces arginine with glutamine at codon 2079 of the DMBT1 protein (p.Arg2079Gln). The arginine residue is moderately conserved and there is a small physicochemical difference between arginine and glutamine.

NM_001377530.1(DMBT1):c.6623G>A (p.Arg2208Gln)

Gene: DMBT1 (deleted in malignant brain tumors 1; plus strand). Cytogenetic location: 10q26.13.
Variant type: single nucleotide variant.
Coding change: c.6623G>A on transcript NM_001377530.1 (MANE Select); coding-DNA position 6623, G replaced by A.
Protein change: p.Arg2208Gln; replaces arginine 2208 with glutamine.
Molecular consequence: missense variant.
Genome position (GRCh38, 1-based): chr10:122,636,065, G>A. VCF-style: chr10-122636065-G-A. GRCh37 (hg19) VCF-style: chr10-124395581-G-A.
Other names: c.6233G>A, p.Arg2078Gln (NM_001320644.2); c.4352G>A, p.Arg1451Gln (NM_004406.3); c.6236G>A, p.Arg2079Gln (NM_007329.3); c.6206G>A, p.Arg2069Gln (NM_017579.3); short protein forms R1451Q, R2079Q, R2069Q, R2208Q, R2078Q.
Identifiers: ClinVar variation 1382487 (VCV001382487.6), dbSNP rs147966171, ClinGen allele CA5728331.